The following is an entry in ClinVar:

NM_005754.3(G3BP1):c.536T>A (p.Val179Asp)

Gene: G3BP1 (G3BP stress granule assembly factor 1; plus strand). Cytogenetic location: 5q33.1.
Variant type: single nucleotide variant.
Coding change: c.536T>A on transcript NM_005754.3 (MANE Select); coding-DNA position 536, T replaced by A.
Protein change: p.Val179Asp; replaces valine 179 with aspartic acid.
Molecular consequence: missense variant.
Genome position (GRCh38, 1-based): chr5:151,795,572, T>A. VCF-style: chr5-151795572-T-A. GRCh37 (hg19) VCF-style: chr5-151175133-T-A.
Other names: c.536T>A, p.Val179Asp (NM_198395.2); short protein forms V179D.
Identifiers: ClinVar variation 3373029 (VCV003373029.1).

ClinVar aggregate classification (germline): Uncertain significance (1 of 4 stars; one submission).

Submission:

GeneDx
Classification: Uncertain significance. Last evaluated: 2024-04-23. Review status: criteria provided, single submitter. Criteria: GeneDx Variant Classification Process June 2021. Collection method: clinical testing. Allele origin: germline. Affected: yes.
Comment: Not observed at significant frequency in large population cohorts (gnomAD); In silico analysis indicates that this missense variant does not alter protein structure/function; Has not been previously published as pathogenic or benign to our knowledge